The following is an entry in ClinVar:

ClinVar aggregate classification (germline): Likely pathogenic (1 of 4 stars; one submission).

Conditions:
Desmin-related myofibrillar myopathy (MFM1). Also called: MYOFIBRILLAR MYOPATHY WITH ARRHYTHMOGENIC RIGHT VENTRICULAR CARDIOMYOPATHY; DESMIN-RELATED MYOPATHY WITH ARRHYTHMOGENIC RIGHT VENTRICULAR CARDIOMYOPATHY; Desmin related myopathy (former name); Desmin storage myopathy (former name); Myofibrillar myopathy 1; Desminopathy. Identifiers: Orphanet 363543, Orphanet 98909, MedGen C1832370, MONDO:0011076, OMIM 601419.
Dilated cardiomyopathy 1I (CMD1I). Identifiers: Orphanet 154, MedGen C1858154, MONDO:0011482, OMIM 604765.
Neurogenic scapuloperoneal syndrome, Kaeser type (SCPNK). Also called: KAESER SYNDROME. Identifiers: Orphanet 85146, MedGen C1867005, MONDO:0008407, OMIM 181400.

Submission:

Kariminejad - Najmabadi Pathology & Genetics Center
Classification: Likely pathogenic for Dilated cardiomyopathy 1I; Desmin-related myofibrillar myopathy; Neurogenic scapuloperoneal syndrome, Kaeser type. Last evaluated: 2023-05-14. Review status: criteria provided, single submitter. Criteria: ACMG Guidelines, 2015. Collection method: clinical testing. Allele origin: germline. Inheritance: Autosomal dominant inheritance. Affected: yes.
Comment: PM2, PVS1

NM_001927.4(DES):c.1237del (p.Glu413fs)

Gene: DES (desmin; plus strand). Cytogenetic location: 2q35.
Variant type: Deletion.
Coding change: c.1237del on transcript NM_001927.4 (MANE Select); coding-DNA position 1237, one base deleted (G; older notation c.1237delG).
Protein change: p.Glu413fs; shifts the reading frame from glutamic acid 413.
Molecular consequence: frameshift variant.
Genome position (GRCh38, 1-based): chr2:219,421,553, G deleted; the last of 2 consecutive G bases (chr2:219,421,552-219,421,553); deleting either gives the same sequence. VCF-style (leftmost placement, unchanged base first): chr2-219421551-AG-A. GRCh37 (hg19) VCF-style: chr2-220286273-AG-A.
Other names: c.1234del, p.Glu412fs (NM_001382708.1); c.805del, p.Glu269fs (NM_001382709.1); c.1168del, p.Glu390fs (NM_001382710.1); c.1216del, p.Glu406fs (NM_001382711.1); c.1237del, p.Glu413fs (NM_001382712.1); c.967del, p.Glu323fs (NM_001382713.1); c.1237delG (NM_001927.4); short protein forms E269fs, E323fs, E390fs, E406fs, E412fs, E413fs.
Identifiers: ClinVar variation 3896834 (VCV003896834.1).